The following is an entry in ClinVar:

ClinVar aggregate classification (germline): Likely pathogenic (1 of 4 stars; one submission).

Submission:

GeneDx
Classification: Likely pathogenic. Last evaluated: 2019-05-03. Review status: criteria provided, single submitter. Criteria: GeneDx Variant Classification Process June 2021. Collection method: clinical testing. Allele origin: germline. Affected: yes.
Comment: Not observed in large population cohorts (Lek et al., 2016); In silico analysis, which includes protein predictors and evolutionary conservation, supports that this variant does not alter protein structure/function; Has not been previously published as pathogenic or benign to our knowledge

NM_001385012.1(NBEA):c.4017G>A (p.Met1339Ile)

Gene: NBEA (neurobeachin; plus strand). Cytogenetic location: 13q13.3.
Variant type: single nucleotide variant.
Coding change: c.4017G>A on transcript NM_001385012.1 (MANE Select); coding-DNA position 4017, G replaced by A.
Protein change: p.Met1339Ile; replaces methionine 1339 with isoleucine.
Molecular consequence: missense variant.
Genome position (GRCh38, 1-based): chr13:35,161,905, G>A. VCF-style: chr13-35161905-G-A. GRCh37 (hg19) VCF-style: chr13-35736042-G-A.
Other names: c.4017G>A, p.Met1339Ile (NM_001379245.1, NM_015678.5); short protein forms M1339I.
Identifiers: ClinVar variation 1191290 (VCV001191290.2), dbSNP rs2069591720, ClinGen allele CA387840048.